The following is an entry in ClinVar:

NM_001348323.3(TRIP12):c.4370A>G (p.Asn1457Ser)

Gene: TRIP12 (thyroid hormone receptor interactor 12; minus strand). Cytogenetic location: 2q36.3.
Variant type: single nucleotide variant.
Coding change: c.4370A>G on transcript NM_001348323.3 (MANE Select); coding-DNA position 4370, A replaced by G.
Protein change: p.Asn1457Ser; replaces asparagine 1457 with serine.
Molecular consequence: missense variant.
Genome position (GRCh38, 1-based): chr2:229,791,911, T>C on the plus strand (A>G on the coding strand, the complement: TRIP12 is on the minus strand). VCF-style: chr2-229791911-T-C. GRCh37 (hg19) VCF-style: chr2-230656627-T-C.
Other names: c.4355A>G, p.Asn1452Ser (NM_001348320.2, NM_001348319.1); c.4358A>G, p.Asn1453Ser (NM_001348321.1); c.4370A>G, p.Asn1457Ser (NM_001348322.1, NM_001348324.2, NM_001348325.2 and 2 more transcripts); c.4373A>G, p.Asn1458Ser (NM_001348328.1, NM_001348329.2, NM_001348330.2); c.4289A>G, p.Asn1430Ser (NM_001284214.2, NM_001348315.2); c.4244A>G, p.Asn1415Ser (NM_001284215.2, NM_001348316.2); c.3335A>G, p.Asn1112Ser (NM_001284216.2); c.4229A>G, p.Asn1410Ser (NM_001348317.1, NM_001348318.2); and 4 more; short protein forms N1112S, N1382S, N1383S, N1410S, N1415S, N1423S, N1430S, N1431S.
Identifiers: ClinVar variation 4872633 (VCV004872633.2).
Genomic context (GRCh38, chr2:229,791,911, plus strand): 5'-AATTTTCAGACTTGCCATATTGTATGAGTCTTTGTCCAAATACCAGCTCTGCCTAGAGGA[T>C]TGCTCTCATCATCTGTGGATTCTCTTTCATCTTCAGCCTGTATACTAAACTGCCGTACTG-3'
Protein context (NP_001335252.1, residues 1447-1467): DERESTDDES[Asn1457Ser]PLGRAGIWTK

ClinVar aggregate classification (germline): Likely benign (1 of 4 stars; one submission).

gnomAD v4.1: 76 of 1,614,022 alleles (0.0047%); highest among the groups gnomAD compares: Admixed American, 0.1%; no homozygotes.

Submission:

CeGaT Center for Human Genetics Tuebingen
Classification: Likely benign. Last evaluated: 2026-07-01. Review status: criteria provided, single submitter. Criteria: CeGaT Center For Human Genetics Tuebingen Variant Classification Criteria Version 2. Collection method: clinical testing. Allele origin: germline. Affected: yes. Observed: 2 variant alleles.
Comment: TRIP12: BS1